The following is an entry in ClinVar:

ClinVar aggregate classification (germline): Pathogenic (1 of 4 stars; one submission).

Conditions:
Ataxia-telangiectasia syndrome (AT). Also called: Ataxia-telangiectasia; LOUIS-BAR SYNDROME; Ataxia-telangiectasia, complementation group D; AT, COMPLEMENTATION GROUP C; ATAXIA-TELANGIECTASIA, COMPLEMENTATION GROUP A; ATAXIA-TELANGIECTASIA, FRESNO VARIANT. Identifiers: Orphanet 100, MedGen C0004135, MONDO:0008840, OMIM 208900.

Submission:

Labcorp Genetics (formerly Invitae), Labcorp
Classification: Pathogenic for Ataxia-telangiectasia syndrome. Last evaluated: 2023-06-05. Review status: criteria provided, single submitter. Criteria: Invitae Variant Classification Sherloc (09022015). Collection method: clinical testing. Allele origin: germline.
Comment: For these reasons, this variant has been classified as Pathogenic. ClinVar contains an entry for this variant (Variation ID: 1432005). This variant has not been reported in the literature in individuals affected with ATM-related conditions. This variant is not present in population databases (gnomAD no frequency). This sequence change creates a premature translational stop signal (p.Glu2429Asnfs*11) in the ATM gene. It is expected to result in an absent or disrupted protein product. Loss-of-function variants in ATM are known to be pathogenic (PMID: 23807571, 25614872).

Literature cited by the submitters: PubMed 23807571; PubMed 25614872.

NM_000051.4(ATM):c.7285del (p.Glu2429fs)

Genes: ATM (ATM serine/threonine kinase; plus strand), C11orf65 (chromosome 11 open reading frame 65; minus strand). Cytogenetic location: 11q22.3.
Variant type: Deletion.
Coding change: c.7285del on transcript NM_000051.4 (MANE Select); coding-DNA position 7285, one base deleted (G; older notation c.7285delG).
Protein change: p.Glu2429fs; shifts the reading frame from glutamic acid 2429.
Molecular consequence: frameshift variant. On other transcripts: intron variant (2).
Genome position (GRCh38, 1-based): chr11:108,329,216, G deleted; the last of 3 consecutive G bases (chr11:108,329,214-108,329,216); deleting any one gives the same sequence. VCF-style (leftmost placement, unchanged base first): chr11-108329213-AG-A. GRCh37 (hg19) VCF-style: chr11-108199940-AG-A.
Other names: c.7285del, p.Glu2429fs (NM_001351834.2); c.641-20143del (NM_001330368.2); c.*38+6006del (NM_001351110.2); short protein forms E2429fs.
Identifiers: ClinVar variation 1432005 (VCV001432005.8), dbSNP rs2136422907, ClinGen allele CA2573146659.